The following is an entry in ClinVar:

ClinVar aggregate classification (germline): Likely benign (1 of 4 stars; one submission).

Submission:

Laboratory for Molecular Medicine, Mass General Brigham Personalized Medicine
Classification: Likely benign. Last evaluated: 2012-07-18. Review status: criteria provided, single submitter. Criteria: LMM Criteria. Collection method: clinical testing. Allele origin: germline. Observed: 1 variant allele.
Comment: His17066His in exon 248 of TTN: This variant is not expected to have clinical si gnificance because it does not alter an amino acid residue and is not located wi thin the splice consensus sequence. His17066His in exon 248 of TTN (allele freq uency= n/a)

NM_001267550.2(TTN):c.58902T>C (p.His19634=)

Genes: TTN (titin; minus strand), TTN-AS1 (TTN antisense RNA 1; plus strand). Cytogenetic location: 2q31.2.
Variant type: single nucleotide variant.
Coding change: c.58902T>C on transcript NM_001267550.2 (MANE Select); coding-DNA position 58902, T replaced by C.
Protein change: p.His19634=; no amino-acid change (histidine 19634 retained).
Molecular consequence: synonymous variant.
Genome position (GRCh38, 1-based): chr2:178,593,306, A>G on the plus strand (T>C on the coding strand, the complement: TTN is on the minus strand). VCF-style: chr2-178593306-A-G. GRCh37 (hg19) VCF-style: chr2-179458033-A-G.
Other names: c.51198T>C, p.His17066= (NM_133378.4); c.53979T>C, p.His17993= (NM_001256850.1); c.31707T>C, p.His10569= (NM_003319.4); c.32082T>C, p.His10694= (NM_133432.3); c.32283T>C, p.His10761= (NM_133437.4).
Identifiers: ClinVar variation 47141 (VCV000047141.5), dbSNP rs397517639, ClinGen allele CA140111.